The following is an entry in ClinVar:

NM_000135.4(FANCA):c.3829-14C>G

Genes: FANCA (FA complementation group A; minus strand), ZNF276 (zinc finger protein 276; plus strand). Cytogenetic location: 16q24.3.
Variant type: single nucleotide variant.
Coding change: c.3829-14C>G on transcript NM_000135.4 (MANE Select); 14 bases into the intron before coding-DNA position 3829, C replaced by G.
Molecular consequence: intron variant. On other transcripts: 3 prime UTR variant (2), non-coding transcript variant (4).
Genome position (GRCh38, 1-based): chr16:89,740,113, G>C on the plus strand (C>G on the coding strand, the complement: FANCA is on the minus strand). VCF-style: chr16-89740113-G-C. GRCh37 (hg19) VCF-style: chr16-89806521-G-C.
Other names: c.*1867G>C (NM_001113525.2, NM_152287.4); c.3829-14C>G (NM_001286167.3).
Identifiers: ClinVar variation 1900602 (VCV001900602.2), dbSNP rs762916608, ClinGen allele CA8250934.

ClinVar aggregate classification (germline): Uncertain significance (1 of 4 stars; one submission).

Conditions:
Fanconi anemia (FA). Also called: Fanconi's anemia. Identifiers: Orphanet 84, MedGen C0015625, MeSH D005199, MONDO:0019391.

Allele frequency attached by ClinVar (database versions not stated): gnomAD 0.00001; ExAC 0.00003; TOPMed 0.00003.
gnomAD v4.1: 20 of 1,611,008 alleles (0.0012%); highest among the groups gnomAD compares: Admixed American, 0.005%; no homozygotes.

Submission:

Labcorp Genetics (formerly Invitae), Labcorp
Classification: Uncertain significance for Fanconi anemia. Last evaluated: 2022-10-01. Review status: criteria provided, single submitter. Criteria: Invitae Variant Classification Sherloc (09022015). Collection method: clinical testing. Allele origin: germline.
Comment: This sequence change falls in intron 38 of the FANCA gene. It does not directly change the encoded amino acid sequence of the FANCA protein. This variant is present in population databases (rs762916608, gnomAD 0.01%). This variant has not been reported in the literature in individuals affected with FANCA-related conditions. Algorithms developed to predict the effect of sequence changes on RNA splicing suggest that this variant may disrupt the consensus splice site. In summary, the available evidence is currently insufficient to determine the role of this variant in disease. Therefore, it has been classified as a Variant of Uncertain Significance.